The following is an entry in ClinVar:

NM_001561.6(TNFRSF9):c.310C>T (p.Gln104Ter)

Gene: TNFRSF9 (TNF receptor superfamily member 9; minus strand). Cytogenetic location: 1p36.23.
Variant type: single nucleotide variant.
Coding change: c.310C>T on transcript NM_001561.6 (MANE Select); coding-DNA position 310, C replaced by T.
Protein change: p.Gln104Ter; replaces glutamine 104 with a stop codon.
Molecular consequence: nonsense.
Genome position (GRCh38, 1-based): chr1:7,938,229, G>A on the plus strand (C>T on the coding strand, the complement: TNFRSF9 is on the minus strand). VCF-style: chr1-7938229-G-A. GRCh37 (hg19) VCF-style: chr1-7998289-G-A.
Other names: short protein forms Q104*.
Identifiers: ClinVar variation 2017053 (VCV002017053.4), dbSNP rs2527270896, ClinGen allele CA338160364.

ClinVar aggregate classification (germline): Pathogenic (1 of 4 stars; one submission).

Submission:

Labcorp Genetics (formerly Invitae), Labcorp
Classification: Pathogenic. Last evaluated: 2022-07-14. Review status: criteria provided, single submitter. Criteria: Invitae Variant Classification Sherloc (09022015). Collection method: clinical testing. Allele origin: germline.
Comment: For these reasons, this variant has been classified as Pathogenic. This sequence change creates a premature translational stop signal (p.Gln104*) in the TNFRSF9 gene. It is expected to result in an absent or disrupted protein product. Loss-of-function variants in TNFRSF9 are known to be pathogenic (PMID: 30872117, 31501153). This variant has not been reported in the literature in individuals affected with TNFRSF9-related conditions. This variant is not present in population databases (gnomAD no frequency).

Literature cited by the submitters: PubMed 30872117; PubMed 31501153.